The following is an entry in ClinVar:

NM_001458.5(FLNC):c.1395del (p.Val466fs)

Gene: FLNC (filamin C; plus strand). Cytogenetic location: 7q32.1.
Variant type: Deletion.
Coding change: c.1395del on transcript NM_001458.5 (MANE Select); coding-DNA position 1395, one base deleted (T; older notation c.1395delT).
Protein change: p.Val466fs; shifts the reading frame from valine 466.
Molecular consequence: frameshift variant.
Genome position (GRCh38, 1-based): chr7:128,838,787, T deleted. VCF-style (leftmost placement, unchanged base first): chr7-128838786-CT-C. GRCh37 (hg19) VCF-style: chr7-128478840-CT-C.
Other names: c.1395del, p.Val466fs (NM_001127487.2); short protein forms V466fs.
Identifiers: ClinVar variation 3755175 (VCV003755175.2).

ClinVar aggregate classification (germline): Pathogenic (1 of 4 stars; one submission).

Conditions:
Distal myopathy with posterior leg and anterior hand involvement. Also called: WILLIAMS DISTAL MYOPATHY. Identifiers: Orphanet 63273, MedGen C3279722, MONDO:0013550, OMIM 614065.
Hypertrophic cardiomyopathy 26. Also called: Cardiomyopathy, familial hypertrophic, 26. Identifiers: Orphanet 75249, MedGen C4310749, MONDO:0014883, OMIM 617047.
Myofibrillar myopathy 5. Also called: Filaminopathy (type); FILAMINOPATHY, AUTOSOMAL DOMINANT. Identifiers: Orphanet 171445, MedGen C1836050, MONDO:0012289, OMIM 609524.

Submission:

Labcorp Genetics (formerly Invitae), Labcorp
Classification: Pathogenic for Distal myopathy with posterior leg and anterior hand involvement; Myofibrillar myopathy 5; Hypertrophic cardiomyopathy 26. Last evaluated: 2024-04-10. Review status: criteria provided, single submitter. Criteria: Invitae Variant Classification Sherloc (09022015). Collection method: clinical testing. Allele origin: germline.
Comment: This sequence change creates a premature translational stop signal (p.Val466Serfs*26) in the FLNC gene. It is expected to result in an absent or disrupted protein product. Loss-of-function variants in FLNC are known to be pathogenic (PMID: 27908349). This variant is not present in population databases (gnomAD no frequency). This variant has not been reported in the literature in individuals affected with FLNC-related conditions. For these reasons, this variant has been classified as Pathogenic.

Literature cited by the submitters: PubMed 27908349.